The following is an entry in ClinVar:

NM_001127222.2(CACNA1A):c.1556-164G>A

Gene: CACNA1A (calcium voltage-gated channel subunit alpha1 A; minus strand). Cytogenetic location: 19p13.13.
Variant type: single nucleotide variant.
Coding change: c.1556-164G>A on transcript NM_001127222.2 (MANE Select); 164 bases into the intron before coding-DNA position 1556, G replaced by A.
Molecular consequence: intron variant.
Genome position (GRCh38, 1-based): chr19:13,312,945, C>T on the plus strand (G>A on the coding strand, the complement: CACNA1A is on the minus strand). VCF-style: chr19-13312945-C-T. GRCh37 (hg19) VCF-style: chr19-13423759-C-T.
Other names: c.1559-164G>A (NM_001127221.2, NM_001174080.2, NM_000068.4 and 1 more transcripts).
Identifiers: ClinVar variation 680054 (VCV000680054.1), dbSNP rs79071114, ClinGen allele CA305515699.

ClinVar aggregate classification (germline): Benign (1 of 4 stars; one submission).

Allele frequency attached by ClinVar (database versions not stated): gnomAD 0.05239 and 0.05494; 1000 Genomes Project 30x 0.06683; 1000 Genomes Project 0.06809; TOPMed 0.04897.
gnomAD v4.1: 8,324 of 152,102 alleles (5.5%); highest among the groups gnomAD compares: South Asian, 12%; 262 homozygotes.

Submission:

GeneDx
Classification: Benign. Last evaluated: 2018-06-14. Review status: criteria provided, single submitter. Criteria: GeneDx Variant Classification (06012015). Collection method: clinical testing. Allele origin: germline. Affected: yes.
Comment: This variant is considered likely benign or benign based on one or more of the following criteria: it is a conservative change, it occurs at a poorly conserved position in the protein, it is predicted to be benign by multiple in silico algorithms, and/or has population frequency not consistent with disease.